The following is an entry in ClinVar:

ClinVar aggregate classification (germline): Uncertain significance (1 of 4 stars; one submission).

Conditions:
PHYH-related disorder. Also called: PHYH-related condition.

gnomAD v4.1: 1 of 1,613,984 alleles (0.000062%); highest among the groups gnomAD compares: Non-Finnish European, 0.000085%; no homozygotes.

Submission:

PreventionGenetics, part of Exact Sciences
Classification: Uncertain significance for PHYH-related condition. Last evaluated: 2025-03-25. Review status: criteria provided, single submitter. Criteria: ACMG Guidelines, 2015. Collection method: clinical testing. Allele origin: germline.
Comment: The PHYH c.864C>G variant is predicted to result in the amino acid substitution p.His288Gln. To our knowledge, this variant has not been reported in the literature. This variant is reported in 0.0018% of alleles in individuals of European (Non-Finnish) descent in gnomAD. At this time, the clinical significance of this variant is uncertain due to the absence of conclusive functional and genetic evidence.

NM_006214.4(PHYH):c.864C>G (p.His288Gln)

Gene: PHYH (phytanoyl-CoA 2-hydroxylase; minus strand). Cytogenetic location: 10p13.
Variant type: single nucleotide variant.
Coding change: c.864C>G on transcript NM_006214.4 (MANE Select); coding-DNA position 864, C replaced by G.
Protein change: p.His288Gln; replaces histidine 288 with glutamine.
Molecular consequence: missense variant.
Genome position (GRCh38, 1-based): chr10:13,281,075, G>C on the plus strand (C>G on the coding strand, the complement: PHYH is on the minus strand). VCF-style: chr10-13281075-G-C. GRCh37 (hg19) VCF-style: chr10-13323075-G-C.
Other names: c.564C>G, p.His188Gln (NM_001037537.2, NM_001323080.2); c.870C>G, p.His290Gln (NM_001323082.2); c.600C>G, p.His200Gln (NM_001323083.2); c.570C>G, p.His190Gln (NM_001323084.2); short protein forms H290Q, H190Q, H200Q, H288Q, H188Q.
Identifiers: ClinVar variation 4988264 (VCV004988264.1).